The following is an entry in ClinVar:

NM_014043.4(CHMP2B):c.*231T>C

Gene: CHMP2B (charged multivesicular body protein 2B; plus strand). Cytogenetic location: 3p11.2.
Variant type: single nucleotide variant.
Coding change: c.*231T>C on transcript NM_014043.4 (MANE Select); 231 bases downstream of the stop codon, T replaced by C.
Molecular consequence: 3 prime UTR variant.
Genome position (GRCh38, 1-based): chr3:87,254,053, T>C. VCF-style: chr3-87254053-T-C. GRCh37 (hg19) VCF-style: chr3-87303203-T-C.
Other names: c.*231T>C (NM_001244644.2).
Identifiers: ClinVar variation 346811 (VCV000346811.8), dbSNP rs17189270, ClinGen allele CA10619648.

ClinVar aggregate classification (germline): Benign/Likely benign. Review status: criteria provided, multiple submitters, no conflicts (2 of 4 stars). 3 submissions from 3 submitters: Benign (1); Likely benign (2). Last evaluated 2018-08-17.

Conditions:
Frontotemporal dementia and/or amyotrophic lateral sclerosis 7 (FTDALS7). Also called: CHMP2B-Related Frontotemporal Dementia-Amyotrophic Lateral Sclerosis; CHMP2B-related frontotemporal dementia; AMYOTROPHIC LATERAL SCLEROSIS, CHMP2B-RELATED; Amyotrophic lateral sclerosis 17. Identifiers: Orphanet 275864, Orphanet 282, Orphanet 803, MedGen C1833296, MONDO:0010936, OMIM 600795.

Allele frequency attached by ClinVar (database versions not stated): 1000 Genomes Project 0.00759; 1000 Genomes Project 30x 0.00859; gnomAD 0.01026 and 0.01035; TOPMed 0.01076; gnomAD exomes 0.01273.
gnomAD v4.1: 5,080 of 424,620 alleles (1.2%); highest among the groups gnomAD compares: Middle Eastern, 4.1%; 51 homozygotes.

Submissions (3):

GeneDx
Classification: Likely benign. Last evaluated: 2018-08-17. Review status: criteria provided, single submitter. Criteria: GeneDx Variant Classification Process June 2021. Collection method: clinical testing. Allele origin: germline. Affected: yes.

Illumina Laboratory Services, Illumina
Classification: Benign for Frontotemporal dementia and/or amyotrophic lateral sclerosis 7. Last evaluated: 2018-01-12. Review status: criteria provided, single submitter. Criteria: ICSL Variant Classification Criteria 13 December 2019. Collection method: clinical testing. Allele origin: germline.
Comment: This variant was observed in the ICSL laboratory as part of a predisposition screen in an ostensibly healthy population. It had not been previously curated by ICSL or reported in the Human Gene Mutation Database (HGMD: prior to June 1st, 2018), and was therefore a candidate for classification through an automated scoring system. Utilizing variant allele frequency, disease prevalence and penetrance estimates, and inheritance mode, an automated score was calculated to assess if this variant is too frequent to cause the disease. Based on the score and internal cut-off values, a variant classified as benign is not then subjected to further curation. The score for this variant resulted in a classification of benign for this disease.

Breakthrough Genomics
Classification: Likely benign. Review status: criteria provided, single submitter. Criteria: ACMG Guidelines, 2015. Collection method: not provided. Allele origin: germline. Inheritance: Autosomal dominant inheritance. Affected: yes.